The following is an entry in ClinVar:

NM_007055.4(POLR3A):c.3026C>T (p.Thr1009Ile)

Gene: POLR3A (RNA polymerase III subunit A; minus strand). Cytogenetic location: 10q22.3.
Variant type: single nucleotide variant.
Coding change: c.3026C>T on transcript NM_007055.4 (MANE Select); coding-DNA position 3026, C replaced by T.
Protein change: p.Thr1009Ile; replaces threonine 1009 with isoleucine.
Molecular consequence: missense variant.
Genome position (GRCh38, 1-based): chr10:77,985,948, G>A on the plus strand (C>T on the coding strand, the complement: POLR3A is on the minus strand). VCF-style: chr10-77985948-G-A. GRCh37 (hg19) VCF-style: chr10-79745706-G-A.
Other names: short protein forms T1009I.
Identifiers: ClinVar variation 2747444 (VCV002747444.3), dbSNP rs2493190624, ClinGen allele CA377331680.

ClinVar aggregate classification (germline): Uncertain significance (1 of 4 stars; one submission).

Allele frequency attached by ClinVar (database versions not stated): gnomAD exomes below 0.00001.
gnomAD v4.1: 3 of 1,614,142 alleles (0.00019%); highest among the groups gnomAD compares: Non-Finnish European, 0.00017%; no homozygotes.

Submission:

Labcorp Genetics (formerly Invitae), Labcorp
Classification: Uncertain significance. Last evaluated: 2025-05-19. Review status: criteria provided, single submitter. Criteria: Invitae Variant Classification Sherloc (09022015). Collection method: clinical testing. Allele origin: germline.
Comment: This sequence change replaces threonine, which is neutral and polar, with isoleucine, which is neutral and non-polar, at codon 1009 of the POLR3A protein (p.Thr1009Ile). This variant is not present in population databases (gnomAD no frequency). This variant has not been reported in the literature in individuals affected with POLR3A-related conditions. ClinVar contains an entry for this variant (Variation ID: 2747444). Invitae Evidence Modeling of protein sequence and biophysical properties (such as structural, functional, and spatial information, amino acid conservation, physicochemical variation, residue mobility, and thermodynamic stability) indicates that this missense variant is not expected to disrupt POLR3A protein function with a negative predictive value of 80%. In summary, the available evidence is currently insufficient to determine the role of this variant in disease. Therefore, it has been classified as a Variant of Uncertain Significance.